The following is an entry in ClinVar:

ClinVar aggregate classification (germline): Pathogenic (1 of 4 stars; one submission).

Conditions:
Duchenne muscular dystrophy (DMD). Also called: MUSCULAR DYSTROPHY, PSEUDOHYPERTROPHIC PROGRESSIVE, DUCHENNE TYPE; Duchenne Muscular Dystrophy (DMD). Identifiers: Orphanet 98896, MedGen C0013264, MONDO:0010679, OMIM 310200.

Submission:

Labcorp Genetics (formerly Invitae), Labcorp
Classification: Pathogenic for Duchenne muscular dystrophy. Last evaluated: 2018-03-07. Review status: criteria provided, single submitter. Criteria: Invitae Variant Classification Sherloc (09022015). Collection method: clinical testing. Allele origin: germline.
Comment: This variant is an out-of-frame deletion of the genomic region encompassing exons 31-43 of the DMD gene. This is expected to create a premature translational stop signal and result in an absent or disrupted protein product. A similar deletion of exons 31-43 has been reported in individuals affected with Duchenne muscular dystrophy (PMID: 22090376, 17854090). Loss-of-function variants in DMD are known to be pathogenic (PMID: 16770791, 25007885). For these reasons, this variant has been classified as Pathogenic.

Literature cited by the submitters: PubMed 22090376; PubMed 17854090.

NC_000023.11:g.(?_32287509)_(32390201_?)del

Gene: DMD (dystrophin; minus strand). Cytogenetic location: Xp21.1.
Variant type: Deletion.
Identifiers: ClinVar variation 583557 (VCV000583557.1).